The following is an entry in ClinVar:

NM_015046.7(SETX):c.*717T>C

Gene: SETX (senataxin; minus strand). Cytogenetic location: 9q34.13.
Variant type: single nucleotide variant.
Coding change: c.*717T>C on transcript NM_015046.7 (MANE Select); 717 bases downstream of the stop codon, T replaced by C.
Molecular consequence: 3 prime UTR variant.
Genome position (GRCh38, 1-based): chr9:132,263,522, A>G on the plus strand (T>C on the coding strand, the complement: SETX is on the minus strand). VCF-style: chr9-132263522-A-G. GRCh37 (hg19) VCF-style: chr9-135138909-A-G.
Other names: c.*717T>C (NM_001351527.2, NM_001351528.2).
Identifiers: ClinVar variation 365326 (VCV000365326.5), dbSNP rs17148857, ClinGen allele CA10632888.

ClinVar aggregate classification (germline): Benign. Review status: criteria provided, single submitter (1 of 4 stars). 2 submissions from 1 submitter: Benign (2). Last evaluated 2018-01-13.

Conditions:
Amyotrophic lateral sclerosis type 4 (ALS4). Also called: AMYOTROPHIC LATERAL SCLEROSIS 4, JUVENILE; NEURONOPATHY, DISTAL HEREDITARY MOTOR, WITH PYRAMIDAL FEATURES. Identifiers: Orphanet 357043, MedGen C1865409, MONDO:0011223, OMIM 602433.
Spinocerebellar ataxia, autosomal recessive, with axonal neuropathy 2 (SCAN2). Also called: ATAXIA-OCULOMOTOR APRAXIA 2; Ataxia-ocular apraxia-2; Ataxia with Oculomotor Apraxia; Ataxia with Oculomotor Apraxia Type 2. Identifiers: Orphanet 64753, MedGen C1853761, MONDO:0018996, OMIM 606002.

Allele frequency attached by ClinVar (database versions not stated): gnomAD 0.03991 and 0.04316; 1000 Genomes Project 0.04113; TOPMed 0.04438; 1000 Genomes Project 30x 0.04482.

Submissions (2):

Illumina Laboratory Services, Illumina
Classification: Benign for Amyotrophic lateral sclerosis type 4. Last evaluated: 2018-01-13. Review status: criteria provided, single submitter. Criteria: ICSL Variant Classification Criteria 13 December 2019. Collection method: clinical testing. Allele origin: germline.
Comment: This variant was observed in the ICSL laboratory as part of a predisposition screen in an ostensibly healthy population. It had not been previously curated by ICSL or reported in the Human Gene Mutation Database (HGMD: prior to June 1st, 2018), and was therefore a candidate for classification through an automated scoring system. Utilizing variant allele frequency, disease prevalence and penetrance estimates, and inheritance mode, an automated score was calculated to assess if this variant is too frequent to cause the disease. Based on the score and internal cut-off values, a variant classified as benign is not then subjected to further curation. The score for this variant resulted in a classification of benign for this disease.

Illumina Laboratory Services, Illumina
Classification: Benign for Spinocerebellar ataxia, autosomal recessive, with axonal neuropathy 2. Last evaluated: 2018-01-13. Review status: criteria provided, single submitter. Criteria: ICSL Variant Classification Criteria 13 December 2019. Collection method: clinical testing. Allele origin: germline.
Comment: the same text as in the submission from Illumina Laboratory Services, Illumina above.